The following is an entry in ClinVar:

NM_002335.4(LRP5):c.34CTG[15] (p.Leu15_Leu20dup)

Gene: LRP5 (LDL receptor related protein 5; plus strand). Cytogenetic location: 11q13.2.
Variant type: Microsatellite.
Coding change: c.34CTG[15] on transcript NM_002335.4 (MANE Select); 15 copies in a row of the 3-base unit CTG starting at c.34; the reference has nine copies in a row; six copies, 18 bases duplicated.
Protein change: p.Leu15_Leu20dup.
Molecular consequence: inframe insertion. On other transcripts: 5 prime UTR variant (1).
Genome position (GRCh38, 1-based): chr11:68,312,757-68,312,774, CTGCTGCTGCTGCTGCTG duplicated; duplicating any 18 consecutive bases within chr11:68,312,747-68,312,774 gives the same sequence; the position shown is the placement nearest the transcript's 3' end. VCF-style (leftmost placement, unchanged base first): chr11-68312746-C-CGCTGCTGCTGCTGCTGCT. GRCh37 (hg19) VCF-style: chr11-68080214-C-CGCTGCTGCTGCTGCTGCT.
Other names: c.-1732CTG[15] (NM_001291902.2).
Identifiers: ClinVar variation 1304556 (VCV001304556.2), dbSNP rs72555376, ClinGen allele CA679589753.

ClinVar aggregate classification (germline): Uncertain significance (1 of 4 stars; one submission).

Submission:

GeneDx
Classification: Uncertain significance. Last evaluated: 2021-01-12. Review status: criteria provided, single submitter. Criteria: GeneDx Variant Classification Process June 2021. Collection method: clinical testing. Allele origin: germline. Affected: yes.
Comment: In-frame duplication of 6 amino acids in a repetitive region with no known function, results in an allele with 15 Leucine repeats; Published functional studies expressed human LRP5 with different Leucine repeats number (3-Leu to 11-Leu) of signal peptide in HEK293 cells. Luciferase assay showed ~40% reductions in activity of LRP5 with 11-Leu compared to the WT (9-Leu). Moreover, 11-Leu LRP5 had greater retention in the cytoplasmic fraction compared to the WT in western blot assay (Chung et al., 2009). Therefore, it was hypothesized that an increased number of Leucine repeats beyond the WT (9-Leu) may cause haploinsufficiency; Not observed in large population cohorts (Lek et al., 2016); This variant is associated with the following publications: (PMID: 19177549)